The following is an entry in ClinVar:

NM_001374736.1(DST):c.4448A>G (p.Gln1483Arg)

Gene: DST (dystonin; minus strand). Cytogenetic location: 6p12.1.
Variant type: single nucleotide variant.
Coding change: c.4448A>G on transcript NM_001374736.1 (MANE Select); coding-DNA position 4448, A replaced by G.
Protein change: p.Gln1483Arg; replaces glutamine 1483 with arginine.
Molecular consequence: missense variant.
Genome position (GRCh38, 1-based): chr6:56,629,277, T>C on the plus strand (A>G on the coding strand, the complement: DST is on the minus strand). VCF-style: chr6-56629277-T-C. GRCh37 (hg19) VCF-style: chr6-56494075-T-C.
Other names: c.4349A>G, p.Gln1450Arg (NM_001144769.5); c.3935A>G, p.Gln1312Arg (NM_001144770.2); c.4448A>G, p.Gln1483Arg (NM_001374722.1); c.3815A>G, p.Gln1272Arg (NM_001374729.1, NM_001374730.1, NM_001386100.1 and 1 more transcripts); c.4475A>G, p.Gln1492Arg (NM_001374734.1); c.2837A>G, p.Gln946Arg (NM_001723.7, NM_015548.5); short protein forms Q946R, Q1272R, Q1492R, Q1312R, Q1450R, Q1483R.
Identifiers: ClinVar variation 1739902 (VCV001739902.2), dbSNP rs2536928824, ClinGen allele CA364573590.
Genomic context (GRCh38, chr6:56,629,277, plus strand): 5'-CTGTGCTAAAACTGAACAAAAAAGGATACTAACCTGTTGTCAATCTGCACATGAACATTT[T>C]GCCACCTTTCAACTAATTGATCTGCTTTTTCTTTGTGCCAGTCAAAATCAAGGTCCCGTT-3'
Protein context (NP_001361665.1, residues 1473-1493): EKADQLVERW[Gln1483Arg]NVHVQIDNRL

ClinVar aggregate classification (germline): Uncertain significance (1 of 4 stars; one submission).

Conditions:
Inborn genetic diseases. Identifiers: MedGen C0950123, MeSH D030342.

Submission:

Ambry Genetics
Classification: Uncertain significance for Inborn genetic diseases. Last evaluated: 2020-10-20. Review status: criteria provided, single submitter. Criteria: Ambry Variant Classification Scheme 2023. Collection method: clinical testing. Allele origin: germline.
Comment: The p.Q1450R variant (also known as c.4349A>G), located in coding exon 31 of the DST gene, results from an A to G substitution at nucleotide position 4349. The glutamine at codon 1450 is replaced by arginine, an amino acid with highly similar properties. This amino acid position is highly conserved in available vertebrate species. In addition, this alteration is predicted to be tolerated by in silico analysis. Since supporting evidence is limited at this time, the clinical significance of this alteration remains unclear.